The following is an entry in ClinVar:

NM_016341.4(PLCE1):c.2170A>G (p.Met724Val)

Gene: PLCE1 (phospholipase C epsilon 1; plus strand). Cytogenetic location: 10q23.33.
Variant type: single nucleotide variant.
Coding change: c.2170A>G on transcript NM_016341.4 (MANE Select); coding-DNA position 2170, A replaced by G.
Protein change: p.Met724Val; replaces methionine 724 with valine.
Molecular consequence: missense variant.
Genome position (GRCh38, 1-based): chr10:94,234,268, A>G. VCF-style: chr10-94234268-A-G. GRCh37 (hg19) VCF-style: chr10-95994025-A-G.
Other names: c.1246A>G, p.Met416Val (NM_001165979.2); c.2170A>G, p.Met724Val (NM_001288989.2); short protein forms M416V, M724V.
Identifiers: ClinVar variation 2430950 (VCV002430950.2), dbSNP rs763394762, ClinGen allele CA377639269.

ClinVar aggregate classification (germline): Uncertain significance. Review status: criteria provided, multiple submitters, no conflicts (2 of 4 stars). 2 submissions from 2 submitters: Uncertain significance (2). Last evaluated 2025-08-23.

Conditions:
Inborn genetic diseases. Identifiers: MedGen C0950123, MeSH D030342.

gnomAD v4.1: 10 of 1,614,040 alleles (0.00062%); highest among the groups gnomAD compares: Non-Finnish European, 0.00085%; no homozygotes.

Submissions (2):

Ambry Genetics
Classification: Uncertain significance for Inborn genetic diseases. Last evaluated: 2025-08-23. Review status: criteria provided, single submitter. Criteria: Ambry Variant Classification Scheme 2023. Collection method: clinical testing. Allele origin: germline.

GeneDx
Classification: Uncertain significance. Last evaluated: 2022-08-17. Review status: criteria provided, single submitter. Criteria: GeneDx Variant Classification Process June 2021. Collection method: clinical testing. Allele origin: germline. Affected: yes.
Comment: Not observed at significant frequency in large population cohorts (gnomAD); In silico analysis supports that this missense variant does not alter protein structure/function; Has not been previously published as pathogenic or benign to our knowledge